The following is an entry in ClinVar:

NM_000048.4(ASL):c.509G>A (p.Ser170Asn)

Gene: ASL (argininosuccinate lyase; plus strand). Cytogenetic location: 7q11.21.
Variant type: single nucleotide variant.
Coding change: c.509G>A on transcript NM_000048.4 (MANE Select); coding-DNA position 509, G replaced by A.
Protein change: p.Ser170Asn; replaces serine 170 with asparagine.
Molecular consequence: missense variant.
Genome position (GRCh38, 1-based): chr7:66,086,647, G>A. VCF-style: chr7-66086647-G-A. GRCh37 (hg19) VCF-style: chr7-65551634-G-A.
Other names: c.509G>A, p.Ser170Asn (NM_001024943.2, NM_001024944.2, NM_001024946.2); short protein forms S170N.
Identifiers: ClinVar variation 1459454 (VCV001459454.13), dbSNP rs1180650883, ClinGen allele CA367642114.

ClinVar aggregate classification (germline): Pathogenic/Likely pathogenic. Review status: criteria provided, multiple submitters, no conflicts (2 of 4 stars). 2 submissions from 2 submitters: Pathogenic (1); Likely pathogenic (1). Last evaluated 2025-09-23.

Conditions:
Argininosuccinate lyase deficiency. Also called: Argininosuccinic aciduria; ARGININOSUCCINIC ACID LYASE DEFICIENCY; ASL DEFICIENCY. Identifiers: Orphanet 23, MedGen C0268547, MONDO:0008815, OMIM 207900, HP:0025630.

Allele frequency attached by ClinVar (database versions not stated): gnomAD exomes below 0.00001 and 0.00001.
gnomAD v4.1: 4 of 1,613,928 alleles (0.00025%); highest among the groups gnomAD compares: South Asian, 0.0044%; no homozygotes.

Submissions (2):

Women's Health and Genetics/Laboratory Corporation of America, LabCorp
Classification: Likely pathogenic for Argininosuccinate lyase deficiency. Last evaluated: 2025-09-23. Review status: criteria provided, single submitter. Criteria: LabCorp Variant Classification Summary - May 2015. Collection method: clinical testing. Allele origin: germline.
Comment: Variant summary: ASL c.509G>A (p.Ser170Asn) results in a conservative amino acid change located in the Fumarate lyase, N-terminal domain (IPR022761) of the encoded protein sequence. Algorithms developed to predict the effect of missense changes on protein structure and function are either unavailable or do not agree on the potential impact of this missense change. The variant allele was found at a frequency of 4e-06 in 250776 control chromosomes (gnomAD). c.509G>A has been reported in the presumed compound heterozygous state in the literature in at least 2 individuals affected with Argininosuccinic Aciduria (Balmer_2014, Bijarnia-Mahay_2018). These data indicate that the variant may be associated with disease. To our knowledge, no experimental evidence demonstrating an impact on protein function has been reported. The following publications have been ascertained in the context of this evaluation (PMID: 24166829, 30285816). ClinVar contains an entry for this variant (Variation ID: 1459454). Based on the evidence outlined above, the variant was classified as likely pathogenic.

Labcorp Genetics (formerly Invitae), Labcorp
Classification: Pathogenic for Argininosuccinate lyase deficiency. Last evaluated: 2023-02-18. Review status: criteria provided, single submitter. Criteria: Invitae Variant Classification Sherloc (09022015). Collection method: clinical testing. Allele origin: germline.
Comment: Advanced modeling of protein sequence and biophysical properties (such as structural, functional, and spatial information, amino acid conservation, physicochemical variation, residue mobility, and thermodynamic stability) performed at Invitae indicates that this missense variant is expected to disrupt ASL protein function. For these reasons, this variant has been classified as Pathogenic. ClinVar contains an entry for this variant (Variation ID: 1459454). This missense change has been observed in individual(s) with argininosuccinate lyase deficiency (PMID: 30285816). This variant is present in population databases (no rsID available, gnomAD 0.003%). This sequence change replaces serine, which is neutral and polar, with asparagine, which is neutral and polar, at codon 170 of the ASL protein (p.Ser170Asn).

Literature cited by the submitters: PubMed 24166829 (cited by Women's Health and Genetics/Laboratory Corporation of America, LabCorp); PubMed 30285816 (cited by Women's Health and Genetics/Laboratory Corporation of America, LabCorp and Labcorp Genetics (formerly Invitae), Labcorp).